The following is an entry in ClinVar:

NM_000368.5(TSC1):c.2715_2716dup (p.Gln906fs)

Gene: TSC1 (TSC complex subunit 1; minus strand). Cytogenetic location: 9q34.13.
Variant type: Duplication.
Coding change: c.2715_2716dup on transcript NM_000368.5 (MANE Select); coding-DNA positions 2715 to 2716, 2 bases duplicated (CC; older notation c.2715_2716dupCC).
Protein change: p.Gln906fs; shifts the reading frame from glutamine 906.
Molecular consequence: frameshift variant.
Genome position (GRCh38, 1-based): chr9:132,897,520-132,897,521, GG duplicated on the plus strand (CC on the coding strand, the reverse complement: TSC1 is on the minus strand); duplicating any 2 consecutive bases within chr9:132,897,520-132,897,522 gives the same sequence; the c. name uses the placement nearest the transcript's 3' end. VCF-style (leftmost placement, unchanged base first): chr9-132897519-T-TGG. GRCh37 (hg19) VCF-style: chr9-135772906-T-TGG.
Other names: c.2712_2713dup, p.Gln905fs (NM_001162426.2); c.2562_2563dup, p.Gln855fs (NM_001162427.2); c.2352_2353dup, p.Gln785fs (NM_001362177.2); short protein forms Q905fs, Q855fs, Q785fs, Q906fs.
Identifiers: ClinVar variation 647260 (VCV000647260.1), dbSNP rs1588290658, ClinGen allele CA915947224.

ClinVar aggregate classification (germline): Pathogenic (1 of 4 stars; one submission).

Conditions:
Tuberous sclerosis 1 (TSC1). Identifiers: Orphanet 805, MedGen C1854465, MONDO:0008612, OMIM 191100.

Submission:

Labcorp Genetics (formerly Invitae), Labcorp
Classification: Pathogenic for Tuberous sclerosis 1. Last evaluated: 2018-12-26. Review status: criteria provided, single submitter. Criteria: Invitae Variant Classification Sherloc (09022015). Collection method: clinical testing. Allele origin: germline.
Comment: This sequence change creates a premature translational stop signal (p.Gln906Profs*26) in the TSC1 gene. It is expected to result in an absent or disrupted protein product. This variant is not present in population databases (ExAC no frequency). This variant has not been reported in the literature in individuals with TSC1-related conditions. Loss-of-function variants in TSC1 are known to be pathogenic (PMID: 10227394, 17304050). For these reasons, this variant has been classified as Pathogenic.